The following is an entry in ClinVar:

NM_013372.7(GREM1):c.230G>C (p.Ser77Thr)

Gene: GREM1 (gremlin 1, DAN family BMP antagonist; plus strand). Cytogenetic location: 15q13.3.
Variant type: single nucleotide variant.
Coding change: c.230G>C on transcript NM_013372.7 (MANE Select); coding-DNA position 230, G replaced by C.
Protein change: p.Ser77Thr; replaces serine 77 with threonine.
Molecular consequence: missense variant. On other transcripts: intron variant (2).
Genome position (GRCh38, 1-based): chr15:32,730,920, G>C. VCF-style: chr15-32730920-G-C. GRCh37 (hg19) VCF-style: chr15-33023121-G-C.
Other names: c.230G>C, p.Ser77Thr (NM_001368719.1); c.115-8G>C (NM_001191323.2); c.28-8G>C (NM_001191322.2); short protein forms S77T.
Identifiers: ClinVar variation 1789417 (VCV001789417.3), dbSNP rs2548707658, ClinGen allele CA391557464.
Genomic context (GRCh38, chr15:32,730,920, plus strand): 5'-ACCGGGGGCGGGGCCAAGGGCGGGGCACTGCCATGCCCGGGGAGGAGGTGCTGGAGTCCA[G>C]CCAAGAGGCCCTGCATGTGACGGAGCGCAAATACCTGAAGCGAGACTGGTGCAAAACCCA-3'
Protein context (NP_037504.1, residues 67-87): AMPGEEVLES[Ser77Thr]QEALHVTERK

ClinVar aggregate classification (germline): Uncertain significance (1 of 4 stars; one submission).

Conditions:
Hereditary cancer-predisposing syndrome. Also called: Hereditary Cancer Syndrome; Hereditary neoplastic syndrome; Tumor predisposition; Neoplastic Syndromes, Hereditary. Identifiers: Orphanet 140162, MedGen C0027672, MeSH D009386, MONDO:0015356.

Submission:

Ambry Genetics
Classification: Uncertain significance for Hereditary cancer-predisposing syndrome. Last evaluated: 2025-08-20. Review status: criteria provided, single submitter. Criteria: Ambry Variant Classification Scheme 2023. Collection method: clinical testing. Allele origin: germline.
Comment: The p.S77T variant (also known as c.230G>C), located in coding exon 1 of the GREM1 gene, results from a G to C substitution at nucleotide position 230. The serine at codon 77 is replaced by threonine, an amino acid with similar properties. This amino acid position is conserved. In addition, this alteration is predicted to be deleterious by in silico analysis. Since supporting evidence is limited at this time, the clinical significance of this alteration remains unclear.